The following is an entry in ClinVar:

NM_001360.3(DHCR7):c.433_438delinsCTCAAC (p.Ile145Leu)

Gene: DHCR7 (7-dehydrocholesterol reductase; minus strand). Cytogenetic location: 11q13.4.
Variant type: Indel.
Coding change: c.433_438delinsCTCAAC on transcript NM_001360.3 (MANE Select); coding-DNA positions 433 to 438, ATCAAT replaced by CTCAAC.
Protein change: p.Ile145Leu; replaces isoleucine 145 with leucine.
Molecular consequence: missense variant.
Genome position (GRCh38, 1-based): chr11:71,441,415-71,441,420, ATTGAT replaced by GTTGAG on the plus strand (ATCAAT replaced by CTCAAC on the coding strand, the reverse complement: DHCR7 is on the minus strand). VCF-style: chr11-71441415-ATTGAT-GTTGAG. GRCh37 (hg19) VCF-style: chr11-71152461-ATTGAT-GTTGAG.
Other names: c.433_438delinsCTCAAC, p.Ile145Leu (NM_001163817.2, NM_001425107.1, NM_001425109.1 and 7 more transcripts); c.469_474delinsCTCAAC, p.Ile157Leu (NM_001425108.1); c.373_378delinsCTCAAC, p.Ile125Leu (NM_001425113.1); c.337_342delinsCTCAAC, p.Ile113Leu (NM_001425114.1, NM_001425116.1); c.259_264delinsCTCAAC, p.Ile87Leu (NM_001425117.1); short protein forms I113L, I125L, I145L, I157L, I87L.
Identifiers: ClinVar variation 4814826 (VCV004814826.1).

ClinVar aggregate classification (germline): Likely pathogenic (1 of 4 stars; one submission).

Conditions:
Smith-Lemli-Opitz syndrome (SLOS). Also called: LETHAL ACRODYSGENITAL SYNDROME; POLYDACTYLY, SEX REVERSAL, RENAL HYPOPLASIA, AND UNILOBAR LUNG; RSH SYNDROME; RUTLEDGE LETHAL MULTIPLE CONGENITAL ANOMALY SYNDROME; 7-Dehydrocholesterol reductase deficiency. Identifiers: Orphanet 818, MedGen C0175694, MONDO:0010035, OMIM 270400.

Submission:

Natera, Inc.
Classification: Likely pathogenic for Smith-Lemli-Opitz syndrome. Last evaluated: 2025-12-16. Review status: criteria provided, single submitter. Criteria: Natera Variant Classification Schema (03/2026). Collection method: clinical testing. Allele origin: germline.
Comment: The c.433_438delATCAATinsCTCAAC variant in DHCR7 is a deletion-insertion (delins) variant predicted to replace one or more nucleotides with a different sequence. This variant is rare in the general population with a frequency below the threshold expected for the associated phenotype(s). Another variant at this same site results in an alteration predicted to cause a similar molecular effect has been observed in individual(s) with the associated phenotype. Computational prediction algorithms indicate this variant is likely to affect gene or protein function. Given the available evidence, this variant is classified as Likely Pathogenic.